The following is an entry in ClinVar:

NM_012469.4(PRPF6):c.1974C>T (p.Tyr658=)

Gene: PRPF6 (pre-mRNA processing factor 6; plus strand). Cytogenetic location: 20q13.33.
Variant type: single nucleotide variant.
Coding change: c.1974C>T on transcript NM_012469.4 (MANE Select); coding-DNA position 1974, C replaced by T.
Protein change: p.Tyr658=; no amino-acid change (tyrosine 658 retained).
Molecular consequence: synonymous variant.
Genome position (GRCh38, 1-based): chr20:64,026,004, C>T. VCF-style: chr20-64026004-C-T. GRCh37 (hg19) VCF-style: chr20-62657357-C-T.
Identifiers: ClinVar variation 743761 (VCV000743761.14), dbSNP rs11553191, ClinGen allele CA9972339.

ClinVar aggregate classification (germline): Likely benign. Review status: criteria provided, multiple submitters, no conflicts (2 of 4 stars). 3 submissions from 3 submitters: Likely benign (2). 1 of the submissions does not count toward it. Last evaluated 2025-03-30.

Conditions:
PRPF6-related disorder. Also called: PRPF6-related condition.

Allele frequency attached by ClinVar (database versions not stated): TOPMed 0.00006; gnomAD exomes 0.00007 and 0.00010; ExAC 0.00008; gnomAD 0.00008 and 0.00009; ESP Exome Variant Server 0.00015; 1000 Genomes Project 0.00020; 1000 Genomes Project 30x 0.00031.
gnomAD v4.1: 158 of 1,612,360 alleles (0.0098%); highest among the groups gnomAD compares: Non-Finnish European, 0.013%; no homozygotes.

Submissions (3):

Labcorp Genetics (formerly Invitae), Labcorp
Classification: Likely benign. Last evaluated: 2025-03-30. Review status: criteria provided, single submitter. Criteria: Invitae Variant Classification Sherloc (09022015). Collection method: clinical testing. Allele origin: germline.

Blueprint Genetics
Classification: Likely benign. Last evaluated: 2022-06-07. Review status: criteria provided, single submitter. Criteria: ACMG Guidelines, 2015. Collection method: clinical testing. Allele origin: germline.

PreventionGenetics, part of Exact Sciences
Classification: Likely benign for PRPF6-related condition. Last evaluated: 2019-02-20. Review status: no assertion criteria provided. Collection method: clinical testing. Allele origin: germline. Not counted in ClinVar's aggregate classification.
Comment: This variant is classified as likely benign based on ACMG/AMP sequence variant interpretation guidelines (Richards et al. 2015 PMID: 25741868, with internal and published modifications).